The following is an entry in ClinVar:

ClinVar aggregate classification (germline): Uncertain significance (1 of 4 stars; one submission).

Conditions:
Familial cancer of breast. Also called: hereditary breast carcinoma; BREAST CANCER, FAMILIAL; Hereditary breast cancer. Identifiers: Orphanet 227535, MedGen C0346153, MONDO:0016419, OMIM 114480. Disease mechanism: loss of function.
Fanconi anemia complementation group J. Also called: BRIP1-Related Fanconi Anemia. Identifiers: Orphanet 84, MedGen C1836860, MONDO:0012187, OMIM 609054.

Submission:

Labcorp Genetics (formerly Invitae), Labcorp
Classification: Uncertain significance for Familial cancer of breast; Fanconi anemia complementation group J. Last evaluated: 2023-09-22. Review status: criteria provided, single submitter. Criteria: Invitae Variant Classification Sherloc (09022015). Collection method: clinical testing. Allele origin: germline.
Comment: In summary, the available evidence is currently insufficient to determine the role of this variant in disease. Therefore, it has been classified as a Variant of Uncertain Significance. Advanced modeling of protein sequence and biophysical properties (such as structural, functional, and spatial information, amino acid conservation, physicochemical variation, residue mobility, and thermodynamic stability) performed at Invitae indicates that this missense variant is not expected to disrupt BRIP1 protein function. ClinVar contains an entry for this variant (Variation ID: 934471). This variant has not been reported in the literature in individuals affected with BRIP1-related conditions. This variant is not present in population databases (gnomAD no frequency). This sequence change replaces aspartic acid, which is acidic and polar, with asparagine, which is neutral and polar, at codon 420 of the BRIP1 protein (p.Asp420Asn).

NM_032043.3(BRIP1):c.1258G>A (p.Asp420Asn)

Gene: BRIP1 (BRCA1 interacting DNA helicase 1; minus strand). Cytogenetic location: 17q23.2.
Variant type: single nucleotide variant.
Coding change: c.1258G>A on transcript NM_032043.3 (MANE Select); coding-DNA position 1258, G replaced by A.
Protein change: p.Asp420Asn; replaces aspartic acid 420 with asparagine.
Molecular consequence: missense variant.
Genome position (GRCh38, 1-based): chr17:61,799,182, C>T on the plus strand (G>A on the coding strand, the complement: BRIP1 is on the minus strand). VCF-style: chr17-61799182-C-T. GRCh37 (hg19) VCF-style: chr17-59876543-C-T.
Other names: short protein forms D420N.
Identifiers: ClinVar variation 934471 (VCV000934471.10), dbSNP rs2077949084, ClinGen allele CA400483590.